The following is an entry in ClinVar:

ClinVar aggregate classification (germline): Uncertain significance (1 of 4 stars; one submission).

Submission:

Labcorp Genetics (formerly Invitae), Labcorp
Classification: Uncertain significance. Last evaluated: 2024-06-03. Review status: criteria provided, single submitter. Criteria: Invitae Variant Classification Sherloc (09022015). Collection method: clinical testing. Allele origin: germline.
Comment: This sequence change replaces phenylalanine, which is neutral and non-polar, with isoleucine, which is neutral and non-polar, at codon 189 of the KCNK4 protein (p.Phe189Ile). This variant is not present in population databases (gnomAD no frequency). This variant has not been reported in the literature in individuals affected with KCNK4-related conditions. An algorithm developed to predict the effect of missense changes on protein structure and function (PolyPhen-2) suggests that this variant is likely to be disruptive. In summary, the available evidence is currently insufficient to determine the role of this variant in disease. Therefore, it has been classified as a Variant of Uncertain Significance.

NM_033310.3(KCNK4):c.565T>A (p.Phe189Ile)

Genes: KCNK4 (potassium two pore domain channel subfamily K member 4; plus strand), KCNK4-CATSPERZ (KCNK4-CATSPERZ readthrough (NMD candidate); plus strand). Cytogenetic location: 11q13.1.
Variant type: single nucleotide variant.
Coding change: c.565T>A on transcript NM_033310.3 (MANE Select); coding-DNA position 565, T replaced by A.
Protein change: p.Phe189Ile; replaces phenylalanine 189 with isoleucine.
Molecular consequence: missense variant. On other transcripts: non-coding transcript variant (1).
Genome position (GRCh38, 1-based): chr11:64,297,557, T>A. VCF-style: chr11-64297557-T-A. GRCh37 (hg19) VCF-style: chr11-64065029-T-A.
Other names: c.565T>A, p.Phe189Ile (NM_001317090.2, NM_033311.1); short protein forms F189I.
Identifiers: ClinVar variation 2695301 (VCV002695301.3), dbSNP rs2495690703, ClinGen allele CA381166021.
Genomic context (GRCh38, chr11:64,297,557, plus strand): 5'-GTGCTGTCGGCGATGCTTTTCCTGCTGATCGGCTGCCTGCTCTTTGTCCTCACGCCCACG[T>A]TCGTGTTCTGCTATATGGAGGACTGGAGCAAGCTGGAGGCCATCTACTTTGTCATAGTGA-3'
Protein context (NP_201567.1, residues 179-199): GCLLFVLTPT[Phe189Ile]VFCYMEDWSK